The following is an entry in ClinVar:

NM_000051.4(ATM):c.4898G>C (p.Arg1633Thr)

Gene: ATM (ATM serine/threonine kinase; plus strand). Cytogenetic location: 11q22.3.
Variant type: single nucleotide variant.
Coding change: c.4898G>C on transcript NM_000051.4 (MANE Select); coding-DNA position 4898, G replaced by C.
Protein change: p.Arg1633Thr; replaces arginine 1633 with threonine.
Molecular consequence: missense variant.
Genome position (GRCh38, 1-based): chr11:108,295,048, G>C. VCF-style: chr11-108295048-G-C. GRCh37 (hg19) VCF-style: chr11-108165775-G-C.
Other names: c.4898G>C, p.Arg1633Thr (NM_001351834.2); short protein forms R1633T.
Identifiers: ClinVar variation 1743883 (VCV001743883.2), dbSNP rs1555101943, ClinGen allele CA382537256.
Genomic context (GRCh38, chr11:108,295,048, plus strand): 5'-GACTAAAGGATCTTCGAAGACAACTGGAACTACATAAAGATCAGATGGTGGACATTATGA[G>C]AGCTTCTCAGGGTGCTAATTTTAAATGACATGGGCTATTTCTACCTGTTTCTTTTTGAAA-3'
Protein context (NP_000042.3, residues 1623-1643): LHKDQMVDIM[Arg1633Thr]ASQDNPQDGI

ClinVar aggregate classification (germline): Uncertain significance (1 of 4 stars; one submission).

Conditions:
Hereditary cancer-predisposing syndrome. Also called: Hereditary Cancer Syndrome; Neoplastic Syndromes, Hereditary; Tumor predisposition; Hereditary neoplastic syndrome. Identifiers: Orphanet 140162, MedGen C0027672, MeSH D009386, MONDO:0015356.

Submission:

Ambry Genetics
Classification: Uncertain significance for Hereditary cancer-predisposing syndrome. Last evaluated: 2020-10-30. Review status: criteria provided, single submitter. Criteria: Ambry Variant Classification Scheme 2023. Collection method: clinical testing. Allele origin: germline.
Comment: The p.R1633T variant (also known as c.4898G>C), located in coding exon 31 of the ATM gene, results from a G to C substitution at nucleotide position 4898. The arginine at codon 1633 is replaced by threonine, an amino acid with similar properties. This amino acid position is not well conserved in available vertebrate species. In addition, this alteration is predicted to be tolerated by in silico analysis. Since supporting evidence is limited at this time, the clinical significance of this alteration remains unclear.